The following is an entry in ClinVar:

ClinVar aggregate classification (germline): Likely benign. Review status: criteria provided, multiple submitters, no conflicts (2 of 4 stars). 2 submissions from 2 submitters: Likely benign (2). Last evaluated 2025-03-01.

gnomAD v4.1: 52 of 1,603,186 alleles (0.0032%); highest among the groups gnomAD compares: Non-Finnish European, 0.0041%; no homozygotes.

Submissions (2):

CeGaT Center for Human Genetics Tuebingen
Classification: Likely benign. Last evaluated: 2025-03-01. Review status: criteria provided, single submitter. Criteria: CeGaT Center For Human Genetics Tuebingen Variant Classification Criteria Version 2. Collection method: clinical testing. Allele origin: germline. Affected: yes. Observed: 1 variant allele.
Comment: MYO15A: BP4, BP7

Labcorp Genetics (formerly Invitae), Labcorp
Classification: Likely benign. Last evaluated: 2023-12-16. Review status: criteria provided, single submitter. Criteria: Invitae Variant Classification Sherloc (09022015). Collection method: clinical testing. Allele origin: germline.

NM_016239.4(MYO15A):c.8862C>G (p.Pro2954=)

Gene: MYO15A (myosin XVA; plus strand). Cytogenetic location: 17p11.2.
Variant type: single nucleotide variant.
Coding change: c.8862C>G on transcript NM_016239.4 (MANE Select); coding-DNA position 8862, C replaced by G.
Protein change: p.Pro2954=; no amino-acid change (proline 2954 retained).
Molecular consequence: synonymous variant.
Genome position (GRCh38, 1-based): chr17:18,157,795, C>G. VCF-style: chr17-18157795-C-G. GRCh37 (hg19) VCF-style: chr17-18061109-C-G.
Identifiers: ClinVar variation 2970218 (VCV002970218.10), dbSNP rs570681192, ClinGen allele CA498203591.
Genomic context (GRCh38, chr17:18,157,795, plus strand): 5'-GACCATCCACGGGCGCGTGGGCCGCTTCCCTTCGGAGCTGGTGCAGCCCGCTGCTGCCCC[C>G]GACTTCCTGCAGCTGCCAACGGAGCCAGGCCGCGGCCGAGCAGCCGCCGTGGCCGCTGCT-3'
Protein context (NP_057323.3, residues 2944-2964): PSELVQPAAA[Pro2954=]DFLQLPTEPG